The following is an entry in ClinVar:

ClinVar aggregate classification (germline): Benign/Likely benign. Review status: criteria provided, multiple submitters, no conflicts (2 of 4 stars). 5 submissions from 5 submitters: Benign (4); Likely benign (1). Last evaluated 2026-01-24.

Allele frequency attached by ClinVar (database versions not stated): 1000 Genomes Project 0.00479; 1000 Genomes Project 30x 0.00484; TOPMed 0.00913.
gnomAD v4.1: 20,851 of 1,550,578 alleles (1.3%); highest among the groups gnomAD compares: Non-Finnish European, 1.6%; 204 homozygotes.

Submissions (5):

Labcorp Genetics (formerly Invitae), Labcorp
Classification: Benign. Last evaluated: 2026-01-24. Review status: criteria provided, single submitter. Criteria: Invitae Variant Classification Sherloc (09022015). Collection method: clinical testing. Allele origin: germline.

Blueprint Genetics
Classification: Likely benign. Last evaluated: 2024-11-26. Review status: criteria provided, single submitter. Criteria: ACMG Guidelines, 2015. Collection method: clinical testing. Allele origin: germline.

GeneDx
Classification: Benign. Last evaluated: 2019-03-28. Review status: criteria provided, single submitter. Criteria: GeneDx Variant Classification Process June 2021. Collection method: clinical testing. Allele origin: germline. Affected: yes.

Athena Diagnostics
Classification: Benign. Last evaluated: 2019-02-27. Review status: criteria provided, single submitter. Criteria: Athena Diagnostics Criteria. Collection method: clinical testing. Allele origin: germline.

Laboratory for Molecular Medicine, Mass General Brigham Personalized Medicine
Classification: Benign. Last evaluated: 2014-11-24. Review status: criteria provided, single submitter. Criteria: LMM Criteria. Collection method: clinical testing. Allele origin: germline. Observed: 15 variant alleles.
Comment: 3325-8C>G in intron 26 of OTOG: This variant is not expected to have clinical si gnificance because it has been identified in 3.2% (6/186) of Finnish chromosomes from a broad population by the 1000 Genomes Project (v/projects/SNP; dbSNP rs12792504).

NM_001292063.2(OTOG):c.3289-8C>G

Gene: OTOG (otogelin; plus strand). Cytogenetic location: 11p15.1.
Variant type: single nucleotide variant.
Coding change: c.3289-8C>G on transcript NM_001292063.2 (MANE Select); 8 bases into the intron before coding-DNA position 3289, C replaced by G.
Molecular consequence: intron variant.
Genome position (GRCh38, 1-based): chr11:17,594,039, C>G. VCF-style: chr11-17594039-C-G. GRCh37 (hg19) VCF-style: chr11-17615586-C-G.
Other names: c.3325-8C>G (NM_001277269.2).
Identifiers: ClinVar variation 226882 (VCV000226882.18), dbSNP rs12792504, ClinGen allele CA5905721.